The following is an entry in ClinVar:

NM_152722.5(HEPACAM):c.977C>A (p.Ala326Asp)

Gene: HEPACAM (hepatic and glial cell adhesion molecule; minus strand). Cytogenetic location: 11q24.2.
Variant type: single nucleotide variant.
Coding change: c.977C>A on transcript NM_152722.5 (MANE Select); coding-DNA position 977, C replaced by A.
Protein change: p.Ala326Asp; replaces alanine 326 with aspartic acid.
Molecular consequence: missense variant.
Genome position (GRCh38, 1-based): chr11:124,921,412, G>T on the plus strand (C>A on the coding strand, the complement: HEPACAM is on the minus strand). VCF-style: chr11-124921412-G-T. GRCh37 (hg19) VCF-style: chr11-124791308-G-T.
Other names: short protein forms A326D.
Identifiers: ClinVar variation 393148 (VCV000393148.3), dbSNP rs1057524812, ClinGen allele CA16606189.

ClinVar aggregate classification (germline): Uncertain significance. Review status: criteria provided, multiple submitters, no conflicts (2 of 4 stars). 2 submissions from 2 submitters: Uncertain significance (2). Last evaluated 2025-06-15.

Allele frequency attached by ClinVar (database versions not stated): gnomAD exomes 0.00001.
gnomAD v4.1: 15 of 1,270,994 alleles (0.0012%); highest among the groups gnomAD compares: Non-Finnish European, 0.0015%; no homozygotes.

Submissions (2):

Labcorp Genetics (formerly Invitae), Labcorp
Classification: Uncertain significance. Last evaluated: 2025-06-15. Review status: criteria provided, single submitter. Criteria: Invitae Variant Classification Sherloc (09022015). Collection method: clinical testing. Allele origin: germline.
Comment: This sequence change replaces alanine, which is neutral and non-polar, with aspartic acid, which is acidic and polar, at codon 326 of the HEPACAM protein (p.Ala326Asp). This variant is not present in population databases (gnomAD no frequency). This variant has not been reported in the literature in individuals affected with HEPACAM-related conditions. ClinVar contains an entry for this variant (Variation ID: 393148). Invitae Evidence Modeling of protein sequence and biophysical properties (such as structural, functional, and spatial information, amino acid conservation, physicochemical variation, residue mobility, and thermodynamic stability) indicates that this missense variant is not expected to disrupt HEPACAM protein function with a negative predictive value of 95%. In summary, the available evidence is currently insufficient to determine the role of this variant in disease. Therefore, it has been classified as a Variant of Uncertain Significance.

GeneDx
Classification: Uncertain significance. Last evaluated: 2018-11-26. Review status: criteria provided, single submitter. Criteria: GeneDx Variant Classification (06012015). Collection method: clinical testing. Allele origin: germline. Affected: yes.
Comment: The A326D variant in the HEPACAM gene has not been reported previously as a pathogenic variant, nor as a benign variant, to our knowledge. Adequate data is not available in large population cohorts to assess the frequency of this variant in publicly available databases; however, this variant has not been detected at a significant frequency in presumably healthy individuals tested at GeneDx. The A326D variant is a non-conservative amino acid substitution, which occurs at a position that is not conserved. In silico analysis is inconsistent in its predictions as to whether or not the variant is damaging to the protein structure/function. We interpret A326D as a variant of uncertain significance.